The following is an entry in ClinVar:

ClinVar aggregate classification (germline): Uncertain significance (1 of 4 stars; one submission).

Submission:

Labcorp Genetics (formerly Invitae), Labcorp
Classification: Uncertain significance. Last evaluated: 2024-10-26. Review status: criteria provided, single submitter. Criteria: Invitae Variant Classification Sherloc (09022015). Collection method: clinical testing. Allele origin: germline.
Comment: This sequence change falls in intron 27 of the CNGB1 gene. It does not directly change the encoded amino acid sequence of the CNGB1 protein. It affects a nucleotide within the consensus splice site. This variant is not present in population databases (gnomAD no frequency). This variant has not been reported in the literature in individuals affected with CNGB1-related conditions. ClinVar contains an entry for this variant (Variation ID: 1486506). Variants that disrupt the consensus splice site are a relatively common cause of aberrant splicing (PMID: 17576681, 9536098). Algorithms developed to predict the effect of sequence changes on RNA splicing suggest that this variant is not likely to affect RNA splicing. In summary, the available evidence is currently insufficient to determine the role of this variant in disease. Therefore, it has been classified as a Variant of Uncertain Significance.

Literature cited by the submitters: PubMed 17576681; PubMed 9536098.

NM_001297.5(CNGB1):c.2794+6A>G

Gene: CNGB1 (cyclic nucleotide gated channel subunit beta 1; minus strand). Cytogenetic location: 16q21.
Variant type: single nucleotide variant.
Coding change: c.2794+6A>G on transcript NM_001297.5 (MANE Select); 6 bases into the intron after coding-DNA position 2794, A replaced by G.
Molecular consequence: intron variant.
Genome position (GRCh38, 1-based): chr16:57,903,816, T>C on the plus strand (A>G on the coding strand, the complement: CNGB1 is on the minus strand). VCF-style: chr16-57903816-T-C. GRCh37 (hg19) VCF-style: chr16-57937720-T-C.
Other names: c.2776+6A>G (NM_001286130.2).
Identifiers: ClinVar variation 1486506 (VCV001486506.6), dbSNP rs2149358442, ClinGen allele CA2573152476.